The following is an entry in ClinVar:

NM_001369.3(DNAH5):c.6793_6809del (p.Gly2265fs)

Gene: DNAH5 (dynein axonemal heavy chain 5; minus strand). Cytogenetic location: 5p15.2.
Variant type: Deletion.
Coding change: c.6793_6809del on transcript NM_001369.3 (MANE Select); coding-DNA positions 6793 to 6809, 17 bases deleted (GGGGCTGGGAAGACCAC).
Protein change: p.Gly2265fs; shifts the reading frame from glycine 2265.
Molecular consequence: frameshift variant.
Genome position (GRCh38, 1-based): chr5:13,820,378-13,820,394, GTGGTCTTCCCAGCCCC deleted on the plus strand (GGGGCTGGGAAGACCAC on the coding strand, the reverse complement: DNAH5 is on the minus strand). VCF-style (leftmost placement, unchanged base first): chr5-13820377-GGTGGTCTTCCCAGCCCC-G. GRCh37 (hg19) VCF-style: chr5-13820486-GGTGGTCTTCCCAGCCCC-G.
Other names: short protein forms G2265fs.
Identifiers: ClinVar variation 1371211 (VCV001371211.6), dbSNP rs2151814193, ClinGen allele CA2573138501.

ClinVar aggregate classification (germline): Pathogenic (1 of 4 stars; one submission).

Conditions:
Primary ciliary dyskinesia. Also called: Ciliary dyskinesia. Identifiers: Orphanet 244, MedGen C0008780, MONDO:0016575, HP:0012265.

Submission:

Labcorp Genetics (formerly Invitae), Labcorp
Classification: Pathogenic for Primary ciliary dyskinesia. Last evaluated: 2021-08-14. Review status: criteria provided, single submitter. Criteria: Invitae Variant Classification Sherloc (09022015). Collection method: clinical testing. Allele origin: germline.
Comment: This variant has not been reported in the literature in individuals affected with DNAH5-related conditions. For these reasons, this variant has been classified as Pathogenic. This variant is not present in population databases (ExAC no frequency). This sequence change creates a premature translational stop signal (p.Gly2265Leufs*41) in the DNAH5 gene. It is expected to result in an absent or disrupted protein product. Loss-of-function variants in DNAH5 are known to be pathogenic (PMID: 11788826, 16627867).

Literature cited by the submitters: PubMed 11788826; PubMed 16627867.